The following is an entry in ClinVar:

ClinVar aggregate classification (germline): Uncertain significance. Review status: criteria provided, multiple submitters, no conflicts (2 of 4 stars). 8 submissions from 8 submitters: Uncertain significance (8). Last evaluated 2025-08-10.

Conditions:
Hereditary cancer-predisposing syndrome. Also called: Neoplastic Syndromes, Hereditary; Hereditary Cancer Syndrome; Hereditary neoplastic syndrome; Tumor predisposition. Identifiers: Orphanet 140162, MedGen C0027672, MeSH D009386, MONDO:0015356.
Hereditary breast ovarian cancer syndrome. Also called: Hereditary breast and ovarian cancer syndrome; Hereditary breast and/or ovarian cancer syndrome; BRCA1- and BRCA2-Associated Hereditary Breast and Ovarian Cancer; Hereditary breast and ovarian cancer; Breast and ovarian cancer; Hereditary breast and ovarian cancer syndrome (HBOC). Identifiers: Orphanet 145, MedGen C0677776, MeSH D061325, MONDO:0003582. Disease mechanism: loss of function.
Breast-ovarian cancer, familial, susceptibility to, 2 (BROVCA2). Also called: BRCA2 Hereditary Breast and Ovarian Cancer. Identifiers: Orphanet 145, MedGen C2675520, MONDO:0012933, OMIM 612555. Disease mechanism: loss of function.
Familial cancer of breast. Also called: Hereditary breast cancer; hereditary breast carcinoma; BREAST CANCER, FAMILIAL. Identifiers: Orphanet 227535, MedGen C0346153, MONDO:0016419, OMIM 114480. Disease mechanism: loss of function.

Allele frequency attached by ClinVar (database versions not stated): gnomAD exomes below 0.00001; TOPMed 0.00001.
gnomAD v4.1: 3 of 1,612,226 alleles (0.00019%); highest among the groups gnomAD compares: Non-Finnish European, 0.000085%; no homozygotes.

Submissions (8):

Labcorp Genetics (formerly Invitae), Labcorp
Classification: Uncertain significance for Hereditary breast ovarian cancer syndrome. Last evaluated: 2025-08-10. Review status: criteria provided, single submitter. Criteria: Invitae Variant Classification Sherloc (09022015). Collection method: clinical testing. Allele origin: germline.
Comment: This sequence change replaces asparagine, which is neutral and polar, with lysine, which is basic and polar, at codon 235 of the BRCA2 protein (p.Asn235Lys). This variant is present in population databases (rs587781484, gnomAD no frequency). This missense change has been observed in individual(s) with clinical features of BRCA2-related conditions (PMID: 21520333). ClinVar contains an entry for this variant (Variation ID: 141087). Invitae Evidence Modeling of protein sequence and biophysical properties (such as structural, functional, and spatial information, amino acid conservation, physicochemical variation, residue mobility, and thermodynamic stability) indicates that this missense variant is not expected to disrupt BRCA2 protein function with a negative predictive value of 95%. In summary, the available evidence is currently insufficient to determine the role of this variant in disease. Therefore, it has been classified as a Variant of Uncertain Significance.

Ambry Genetics
Classification: Uncertain significance for Hereditary cancer-predisposing syndrome. Last evaluated: 2025-06-25. Review status: criteria provided, single submitter. Criteria: Ambry Variant Classification Scheme 2023. Collection method: clinical testing. Allele origin: germline.
Comment: The p.N235K variant (also known as c.705T>G), located in coding exon 8 of the BRCA2 gene, results from a T to G substitution at nucleotide position 705. The asparagine at codon 235 is replaced by lysine, an amino acid with similar properties. This amino acid position is not well conserved in available vertebrate species. In addition, this alteration is predicted to be tolerated by in silico analysis. Since supporting evidence is limited at this time, the clinical significance of this alteration remains unclear.

Baylor Genetics
Classification: Uncertain significance for Familial cancer of breast. Last evaluated: 2024-03-27. Review status: criteria provided, single submitter. Criteria: ACMG Guidelines, 2015. Collection method: clinical testing. Allele origin: unknown.

Women's Health and Genetics/Laboratory Corporation of America, LabCorp
Classification: Uncertain significance. Last evaluated: 2024-03-21. Review status: criteria provided, single submitter. Criteria: LabCorp Variant Classification Summary - May 2015. Collection method: clinical testing. Allele origin: germline.
Comment: Variant summary: BRCA2 c.705T>G (p.Asn235Lys) results in a non-conservative amino acid change in the encoded protein sequence. Four of five in-silico tools predict a benign effect of the variant on protein function. The variant allele was found at a frequency of 4e-06 in 250232 control chromosomes. The available data on variant occurrences in the general population are insufficient to allow any conclusion about variant significance. To our knowledge, no occurrence of c.705T>G in individuals affected with Hereditary Breast And Ovarian Cancer Syndrome and no experimental evidence demonstrating its impact on protein function have been reported. ClinVar contains an entry for this variant (Variation ID: 141087). Based on the evidence outlined above, the variant was classified as uncertain significance.

All of Us Research Program, National Institutes of Health
Classification: Uncertain significance for Breast-ovarian cancer, familial, susceptibility to, 2. Last evaluated: 2023-08-15. Review status: criteria provided, single submitter. Criteria: ACMG Guidelines, 2015. Collection method: clinical testing. Allele origin: germline. Inheritance: Autosomal dominant inheritance. Observed: 4 variant alleles, 4 heterozygotes.
Comment: This missense variant replaces asparagine with lysine at codon 235 of the BRCA2 protein. Computational prediction suggests that this variant may not impact protein structure and function (internally defined REVEL score threshold <= 0.5, PMID: 27666373). To our knowledge, functional studies have not been reported for this variant. This variant has not been reported in individuals affected with BRCA2-related disorders in the literature. This variant has been identified in 1/250232 chromosomes in the general population by the Genome Aggregation Database (gnomAD). The available evidence is insufficient to determine the role of this variant in disease conclusively. Therefore, this variant is classified as a Variant of Uncertain Significance.

This study involves interpretation of variants in research participants for the purpose of population health screening. Participant phenotype was not available at the time of variant classification. Additional details can be found in publication PMID: 35346344, PMCID: PMC8962531

Color Diagnostics, LLC DBA Color Health
Classification: Uncertain significance for Hereditary cancer-predisposing syndrome. Last evaluated: 2023-07-21. Review status: criteria provided, single submitter. Criteria: ACMG Guidelines, 2015. Collection method: clinical testing. Allele origin: germline.
Comment: This missense variant replaces asparagine with lysine at codon 235 of the BRCA2 protein. Computational prediction suggests that this variant may not impact protein structure and function (internally defined REVEL score threshold <= 0.5, PMID: 27666373). To our knowledge, functional studies have not been reported for this variant. This variant has not been reported in individuals affected with BRCA2-related disorders in the literature. This variant has been identified in 1/250232 chromosomes in the general population by the Genome Aggregation Database (gnomAD). The available evidence is insufficient to determine the role of this variant in disease conclusively. Therefore, this variant is classified as a Variant of Uncertain Significance.

GeneDx
Classification: Uncertain significance. Last evaluated: 2022-07-07. Review status: criteria provided, single submitter. Criteria: GeneDx Variant Classification Process June 2021. Collection method: clinical testing. Allele origin: germline. Affected: yes.
Comment: Not observed at significant frequency in large population cohorts (gnomAD); In silico analysis supports that this missense variant does not alter protein structure/function; Has not been previously published as pathogenic or benign to our knowledge; Also known as 933T>G; This variant is associated with the following publications: (PMID: 21520333)

Quest Diagnostics Nichols Institute San Juan Capistrano
Classification: Uncertain significance. Last evaluated: 2020-07-17. Review status: criteria provided, single submitter. Criteria: Quest Diagnostics criteria. Collection method: clinical testing. Allele origin: unknown.

Literature cited by the submitters: PubMed 21520333 (cited by Labcorp Genetics (formerly Invitae), Labcorp).

NM_000059.4(BRCA2):c.705T>G (p.Asn235Lys)

Gene: BRCA2 (BRCA2 DNA repair associated; plus strand). Cytogenetic location: 13q13.1.
Variant type: single nucleotide variant.
Coding change: c.705T>G on transcript NM_000059.4 (MANE Select); coding-DNA position 705, T replaced by G.
Protein change: p.Asn235Lys; replaces asparagine 235 with lysine.
Molecular consequence: missense variant.
Genome position (GRCh38, 1-based): chr13:32,330,942, T>G. VCF-style: chr13-32330942-T-G. GRCh37 (hg19) VCF-style: chr13-32905079-T-G.
Other names: short protein forms N235K.
Identifiers: ClinVar variation 141087 (VCV000141087.27), dbSNP rs587781484, ClinGen allele CA024822.